The following is an entry in ClinVar:

ClinVar aggregate classification (germline): Benign. Review status: criteria provided, multiple submitters, no conflicts (2 of 4 stars). 4 submissions from 4 submitters: Benign (4). Last evaluated 2026-02-04.

Conditions:
Cardiac arrhythmia. Also called: Arrhythmia; Cardiac rhythm disease. Identifiers: MedGen C0003811, MONDO:0007263, HP:0011675.

Allele frequency attached by ClinVar (database versions not stated): gnomAD exomes 0.05987 and 0.10747; ESP Exome Variant Server 0.06182; ExAC 0.09773; 1000 Genomes Project 30x 0.13851; gnomAD 0.08457 and 0.08087; 1000 Genomes Project 0.14157; TOPMed 0.09416.
gnomAD v4.1: 100,426 of 1,609,966 alleles (6.2%); highest among the groups gnomAD compares: East Asian, 33%; 6,951 homozygotes.

Submissions (4):

Labcorp Genetics (formerly Invitae), Labcorp
Classification: Benign for Cardiac arrhythmia. Last evaluated: 2026-02-04. Review status: criteria provided, single submitter. Criteria: Invitae Variant Classification Sherloc (09022015). Collection method: clinical testing. Allele origin: germline.

Women's Health and Genetics/Laboratory Corporation of America, LabCorp
Classification: Benign. Last evaluated: 2023-04-09. Review status: criteria provided, single submitter. Criteria: LabCorp Variant Classification Summary - May 2015. Collection method: clinical testing. Allele origin: germline.

GeneDx
Classification: Benign. Last evaluated: 2014-01-17. Review status: criteria provided, single submitter. Criteria: GeneDx Variant Classification (06012015). Collection method: clinical testing. Allele origin: germline. Affected: yes.
Comment: This variant is considered likely benign or benign based on one or more of the following criteria: it is a conservative change, it occurs at a poorly conserved position in the protein, it is predicted to be benign by multiple in silico algorithms, and/or has population frequency not consistent with disease.

Breakthrough Genomics
Classification: Benign. Review status: criteria provided, single submitter. Criteria: ACMG Guidelines, 2015. Collection method: not provided. Allele origin: germline. Inheritance: Unknown mechanism. Affected: yes.

NM_016492.5(RANGRF):c.437+16C>T

Genes: RANGRF (RAN guanine nucleotide release factor; plus strand), SLC25A35 (solute carrier family 25 member 35; minus strand). Cytogenetic location: 17p13.1.
Variant type: single nucleotide variant.
Coding change: c.437+16C>T on transcript NM_016492.5 (MANE Select); 16 bases into the intron after coding-DNA position 437, C replaced by T.
Molecular consequence: intron variant. On other transcripts: 3 prime UTR variant (5), non-coding transcript variant (2).
Genome position (GRCh38, 1-based): chr17:8,289,604, C>T. VCF-style: chr17-8289604-C-T. GRCh37 (hg19) VCF-style: chr17-8192922-C-T.
Other names: c.*12C>T (NM_001177801.2); c.*43C>T (NM_001177802.2); c.*12G>A (NM_001320871.2, NM_001320872.2, NM_201520.3); c.351+190C>T (NM_001330127.2).
Identifiers: ClinVar variation 138888 (VCV000138888.11), dbSNP rs869773, ClinGen allele CA293064.